The following is an entry in ClinVar:

NM_001037.5(SCN1B):c.419AGA[1] (p.Lys141del)

Gene: SCN1B (sodium voltage-gated channel beta subunit 1; plus strand). Cytogenetic location: 19q13.11.
Variant type: Microsatellite.
Coding change: c.419AGA[1] on transcript NM_001037.5 (MANE Select); one copy of the 3-base unit AGA starting at c.419; the reference has two copies in a row; one copy, 3 bases deleted; also written c.422_424del.
Protein change: p.Lys141del; deletes lysine 141.
Molecular consequence: inframe deletion.
Genome position (GRCh38, 1-based): chr19:35,033,713-35,033,715, AGA deleted; deleting any 3 consecutive bases within chr19:35,033,709-35,033,715 gives the same sequence; the position shown is the placement nearest the transcript's 3' end. VCF-style (leftmost placement, unchanged base first): chr19-35033708-CAAG-C. GRCh37 (hg19) VCF-style: chr19-35524612-CAAG-C.
Other names: c.320AGA[1], p.Lys108del (NM_001321605.2); c.419AGA[1], p.Lys141del (NM_199037.5); c.422_424del (NM_001037.5); short protein forms K108del, K141del.
Identifiers: ClinVar variation 3382919 (VCV003382919.2).

ClinVar aggregate classification (germline): Uncertain significance (1 of 4 stars; one submission).

Conditions:
Developmental and epileptic encephalopathy, 52 (DEE52). Also called: Epileptic encephalopathy, early infantile, 52. Identifiers: MedGen C4479236, MONDO:0033361, OMIM 617350.
Generalized epilepsy with febrile seizures plus, type 1 (GEFSP1). Also called: GEFS+, TYPE 1. Identifiers: Orphanet 36387, MedGen C1858672, MONDO:0011416, OMIM 604233.
Brugada syndrome 5 (BRGDA5). Identifiers: Orphanet 130, Orphanet 871, MedGen C2748541, MONDO:0013015, OMIM 612838.
Atrial fibrillation, familial, 13 (ATFB13). Identifiers: MedGen C3809311, MONDO:0014155, OMIM 615377.

Submission:

Juno Genomics, Hangzhou Juno Genomics, Inc
Classification: Uncertain significance for Atrial fibrillation, familial, 13; Brugada syndrome 5; Developmental and epileptic encephalopathy, 52; Generalized epilepsy with febrile seizures plus, type 1. Review status: criteria provided, single submitter. Criteria: ACMG Guidelines, 2015. Collection method: clinical testing. Allele origin: germline. Affected: yes.
Comment: Absent from controls (or at extremely low frequency if recessive) in Genome Aggregation Database, Exome Sequencing Project, 1000 Genomes Project, or Exome Aggregation Consortium.;Protein length changes due to in-frame deletions/insertions in a non-repeat region or stop-loss variants.